The following is an entry in ClinVar:

ClinVar aggregate classification (germline): Conflicting classifications of pathogenicity. Review status: criteria provided, conflicting classifications (1 of 4 stars). 3 submissions from 3 submitters: Uncertain significance (2); Benign (1). Last evaluated 2024-03-14.

Allele frequency attached by ClinVar (database versions not stated): gnomAD 0.00001; gnomAD exomes 0.00002 and 0.00004; ExAC 0.00003.

Submissions (3):

Women's Health and Genetics/Laboratory Corporation of America, LabCorp
Classification: Uncertain significance. Last evaluated: 2024-03-14. Review status: criteria provided, single submitter. Criteria: LabCorp Variant Classification Summary - May 2015. Collection method: clinical testing. Allele origin: germline.
Comment: Variant summary: COL4A5 c.3985C>T (p.Pro1329Ser) results in a non-conservative amino acid change in the encoded protein sequence. Four of four in-silico tools predict a damaging effect of the variant on protein function. The variant allele was found at a frequency of 3.8e-05 in 182928 control chromosomes in the gnomAD database, including 1 homozygotes. The available data on variant occurrences in the general population are insufficient to allow any conclusion about variant significance. c.3985C>T has been reported in the literature in individuals affected with hearing loss (Miyagawa_2013) and sporadic congenital cataracts (Fan_2020, Li_2023, Liu_2023). These report(s) do not provide unequivocal conclusions about association of the variant with Alport Syndrome 1, X-Linked Recessive. To our knowledge, no experimental evidence demonstrating an impact on protein function has been reported. The following publications have been ascertained in the context of this evaluation (PMID: 32883240, 36729443, 37337769, 23967202). ClinVar contains an entry for this variant (Variation ID: 1164399). Based on the evidence outlined above, the variant was classified as VUS-possibly benign.

Labcorp Genetics (formerly Invitae), Labcorp
Classification: Benign. Last evaluated: 2024-03-13. Review status: criteria provided, single submitter. Criteria: Invitae Variant Classification Sherloc (09022015). Collection method: clinical testing. Allele origin: germline.

GeneDx
Classification: Uncertain significance. Last evaluated: 2023-12-14. Review status: criteria provided, single submitter. Criteria: GeneDx Variant Classification Process June 2021. Collection method: clinical testing. Allele origin: germline. Affected: yes.
Comment: Identified in a patient with hearing loss in published literature, however, clinical details were not provided (PMID: 23967202); Identified as hemizygous in patients with congenital cataract in published literature (PMID: 32883240, 36729443); Occurs in the triple helical domain at the Y position in the canonical Gly-X-Y repeat; although this variant may have an effect on normal protein folding and function, missense substitution at the Y position is not a common mechanism of disease; This variant is associated with the following publications: (PMID: 23967202, 32883240, 36729443)

Literature cited by the submitters: PubMed 23967202 (cited by Women's Health and Genetics/Laboratory Corporation of America, LabCorp); PubMed 32883240 (cited by Women's Health and Genetics/Laboratory Corporation of America, LabCorp); PubMed 36729443 (cited by Women's Health and Genetics/Laboratory Corporation of America, LabCorp); PubMed 37337769 (cited by Women's Health and Genetics/Laboratory Corporation of America, LabCorp).

NM_033380.3(COL4A5):c.4003C>T (p.Pro1335Ser)

Gene: COL4A5 (collagen type IV alpha 5 chain; plus strand). Cytogenetic location: Xq22.3.
Variant type: single nucleotide variant.
Coding change: c.4003C>T on transcript NM_033380.3 (MANE Select); coding-DNA position 4003, C replaced by T.
Protein change: p.Pro1335Ser; replaces proline 1335 with serine.
Molecular consequence: missense variant.
Genome position (GRCh38, 1-based): chrX:108,680,739, C>T. VCF-style: chrX-108680739-C-T. GRCh37 (hg19) VCF-style: chrX-107923969-C-T.
Other names: c.3985C>T, p.Pro1329Ser (NM_000495.5); c.4003C>T (NM_033380.1); short protein forms P1329S, P1335S.
Identifiers: ClinVar variation 1164399 (VCV001164399.12), dbSNP rs757653472, ClinGen allele CA10489259.